The following is an entry in ClinVar:

ClinVar aggregate classification (germline): Likely pathogenic (1 of 4 stars; one submission).

Conditions:
Long chain 3-hydroxyacyl-CoA dehydrogenase deficiency. Also called: Deficiency of long-chain 3-hydroxyacyl-coenzyme A dehydrogenase; LCHAD Deficiency. Identifiers: Orphanet 5, MedGen C3711645, MONDO:0012173, OMIM 609016.

Submission:

Natera, Inc.
Classification: Likely pathogenic for Deficiency of long-chain 3-hydroxyacyl-coenzyme A dehydrogenase. Last evaluated: 2024-12-30. Review status: criteria provided, single submitter. Criteria: Natera Variant Classification Schema (03/2026). Collection method: clinical testing. Allele origin: germline.
Comment: The c.1791del variant in HADHA is a frameshift variant predicted to shift the reading frame beginning at codon 597 and leads to a stop codon 23 codons downstream. This variant is expected to result in nonsense mediated decay, truncation, or a dysfunctional protein product. This variant is rare in the general population with a frequency below the threshold expected for the associated phenotype(s). Given the available evidence, this variant is classified as Likely Pathogenic.

NM_000182.5(HADHA):c.1791del (p.Lys597fs)

Genes: GAREM2 (GRB2 associated regulator of MAPK1 subtype 2; plus strand), HADHA (hydroxyacyl-CoA dehydrogenase trifunctional multienzyme complex subunit alpha; minus strand). Cytogenetic location: 2p23.3.
Variant type: Deletion.
Coding change: c.1791del on transcript NM_000182.5 (MANE Select); coding-DNA position 1791, one base deleted (A; older notation c.1791delA).
Protein change: p.Lys597fs; shifts the reading frame from lysine 597.
Molecular consequence: frameshift variant.
Genome position (GRCh38, 1-based): chr2:26,193,671, T deleted on the plus strand (A on the coding strand, the reverse complement: HADHA is on the minus strand); the first of 3 consecutive T bases (chr2:26,193,671-26,193,673); deleting any one gives the same sequence. VCF-style (leftmost placement, unchanged base first): chr2-26193670-GT-G. GRCh37 (hg19) VCF-style: chr2-26416539-GT-G.
Other names: short protein forms K597fs.
Identifiers: ClinVar variation 4817872 (VCV004817872.1).